The following is an entry in ClinVar:

ClinVar aggregate classification (germline): Pathogenic (1 of 4 stars; one submission).

Conditions:
Primary ciliary dyskinesia. Also called: Ciliary dyskinesia. Identifiers: Orphanet 244, MedGen C0008780, MONDO:0016575, HP:0012265.

Submission:

Labcorp Genetics (formerly Invitae), Labcorp
Classification: Pathogenic for Primary ciliary dyskinesia. Last evaluated: 2024-07-17. Review status: criteria provided, single submitter. Criteria: Invitae Variant Classification Sherloc (09022015). Collection method: clinical testing. Allele origin: germline.
Comment: This sequence change affects an acceptor splice site in intron 33 of the DNAH5 gene. It is expected to disrupt RNA splicing. Variants that disrupt the donor or acceptor splice site typically lead to a loss of protein function (PMID: 16199547), and loss-of-function variants in DNAH5 are known to be pathogenic (PMID: 11788826, 16627867). This variant is not present in population databases (gnomAD no frequency). Disruption of this splice site has been observed in individual(s) with primary ciliary dyskinesia (Invitae). Algorithms developed to predict the effect of sequence changes on RNA splicing suggest that this variant may disrupt the consensus splice site. For these reasons, this variant has been classified as Pathogenic.

Literature cited by the submitters: PubMed 16199547; PubMed 11788826; PubMed 16627867.

NM_001369.3(DNAH5):c.5485-1G>A

Gene: DNAH5 (dynein axonemal heavy chain 5; minus strand). Cytogenetic location: 5p15.2.
Variant type: single nucleotide variant.
Coding change: c.5485-1G>A on transcript NM_001369.3 (MANE Select); the canonical splice acceptor site of the intron before coding-DNA position 5485, G replaced by A.
Molecular consequence: splice acceptor variant.
Genome position (GRCh38, 1-based): chr5:13,841,131, C>T on the plus strand (G>A on the coding strand, the complement: DNAH5 is on the minus strand). VCF-style: chr5-13841131-C-T. GRCh37 (hg19) VCF-style: chr5-13841240-C-T.
Identifiers: ClinVar variation 3659106 (VCV003659106.2).